The following is an entry in ClinVar:

NM_058216.3(RAD51C):c.175G>A (p.Glu59Lys)

Gene: RAD51C (RAD51 paralog C; plus strand). Cytogenetic location: 17q22.
Variant type: single nucleotide variant.
Coding change: c.175G>A on transcript NM_058216.3 (MANE Select); coding-DNA position 175, G replaced by A.
Protein change: p.Glu59Lys; replaces glutamic acid 59 with lysine.
Molecular consequence: missense variant. On other transcripts: non-coding transcript variant (2).
Genome position (GRCh38, 1-based): chr17:58,694,960, G>A. VCF-style: chr17-58694960-G-A. GRCh37 (hg19) VCF-style: chr17-56772321-G-A.
Other names: c.175G>A, p.Glu59Lys (NM_002876.4); short protein forms E59K.
Identifiers: ClinVar variation 1382926 (VCV001382926.3), dbSNP rs2143718252, ClinGen allele CA400339726.
Genomic context (GRCh38, chr17:58,694,960, plus strand): 5'-TAGGGTTCTTTTTTTCTTATTTTACTTTCAGAAGTTGGGATATCTAAAGCAGAAGCCTTA[G>A]AAACTCTGCAAATTATCAGAAGAGAATGTCTCACAAATAAACCAAGATATGCTGGTACAT-3'
Protein context (NP_478123.1, residues 49-69): EVGISKAEAL[Glu59Lys]TLQIIRRECL

ClinVar aggregate classification (germline): Uncertain significance (1 of 4 stars; one submission).

Conditions:
Fanconi anemia complementation group O. Also called: RAD51C-Related Fanconi Anemia. Identifiers: Orphanet 84, MedGen C3150653, MONDO:0013248, OMIM 613390.

Submission:

Labcorp Genetics (formerly Invitae), Labcorp
Classification: Uncertain significance for Fanconi anemia complementation group O. Last evaluated: 2021-09-04. Review status: criteria provided, single submitter. Criteria: Invitae Variant Classification Sherloc (09022015). Collection method: clinical testing. Allele origin: germline.
Comment: This sequence change replaces glutamic acid with lysine at codon 59 of the RAD51C protein (p.Glu59Lys). The glutamic acid residue is highly conserved and there is a small physicochemical difference between glutamic acid and lysine. This variant is not present in population databases (ExAC no frequency). This variant has not been reported in the literature in individuals affected with RAD51C-related conditions. Algorithms developed to predict the effect of missense changes on protein structure and function are either unavailable or do not agree on the potential impact of this missense change (SIFT: "Tolerated"; PolyPhen-2: "Possibly Damaging"; Align-GVGD: "Class C0"). In summary, the available evidence is currently insufficient to determine the role of this variant in disease. Therefore, it has been classified as a Variant of Uncertain Significance.